The following is an entry in ClinVar:

ClinVar aggregate classification (germline): Likely benign. Review status: reviewed by expert panel (3 of 4 stars). 6 submissions from 6 submitters: Likely benign (1). 5 of the submissions do not count toward it. Last evaluated 2017-06-29.

Conditions:
Breast-ovarian cancer, familial, susceptibility to, 1 (BROVCA1). Also called: BRCA1 Hereditary Breast and Ovarian Cancer; OVARIAN CANCER, SUSCEPTIBILITY TO. Identifiers: Orphanet 145, MedGen C2676676, MONDO:0011450, OMIM 604370. Disease mechanism: loss of function.
Hereditary cancer-predisposing syndrome. Also called: Tumor predisposition; Hereditary Cancer Syndrome; Neoplastic Syndromes, Hereditary; Hereditary neoplastic syndrome. Identifiers: Orphanet 140162, MedGen C0027672, MeSH D009386, MONDO:0015356.
Hereditary breast ovarian cancer syndrome. Also called: Breast and ovarian cancer; Hereditary breast and ovarian cancer; Hereditary breast and ovarian cancer syndrome; Hereditary breast and/or ovarian cancer syndrome; BRCA1- and BRCA2-Associated Hereditary Breast and Ovarian Cancer; Hereditary breast and ovarian cancer syndrome (HBOC). Identifiers: Orphanet 145, MedGen C0677776, MeSH D061325, MONDO:0003582. Disease mechanism: loss of function.

gnomAD v4.1: 1 of 1,613,912 alleles (0.000062%); no homozygotes.

Submissions (6):

Evidence-based Network for the Interpretation of Germline Mutant Alleles (ENIGMA)
Classification: Likely benign for Breast-ovarian cancer, familial, susceptibility to, 1. Last evaluated: 2017-06-29. Review status: reviewed by expert panel. Criteria: ENIGMA BRCA1/2 Classification Criteria (2017-06-29). Collection method: curation. Allele origin: germline.
Comment: Synonymous substitution variant, with low bioinformatic likelihood to result in a splicing aberration (Splicing prior probability 0.02).

Labcorp Genetics (formerly Invitae), Labcorp
Classification: Likely benign for Hereditary breast ovarian cancer syndrome. Last evaluated: 2025-11-13. Review status: criteria provided, single submitter. Criteria: Invitae Variant Classification Sherloc (09022015). Collection method: clinical testing. Allele origin: germline. Not counted in ClinVar's aggregate classification.

Women's Health and Genetics/Laboratory Corporation of America, LabCorp
Classification: Likely benign. Last evaluated: 2020-05-18. Review status: criteria provided, single submitter. Criteria: LabCorp Variant Classification Summary - May 2015. Collection method: clinical testing. Allele origin: germline. Not counted in ClinVar's aggregate classification.

Color Diagnostics, LLC DBA Color Health
Classification: Likely benign for Hereditary cancer-predisposing syndrome. Last evaluated: 2019-02-22. Review status: criteria provided, single submitter. Criteria: ACMG Guidelines, 2015. Collection method: clinical testing. Allele origin: germline. Not counted in ClinVar's aggregate classification.

GeneDx
Classification: Likely benign. Last evaluated: 2018-06-19. Review status: criteria provided, single submitter. Criteria: GeneDx Variant Classification Process June 2021. Collection method: clinical testing. Allele origin: germline. Affected: yes. Not counted in ClinVar's aggregate classification.

Ambry Genetics
Classification: Likely benign for Hereditary cancer-predisposing syndrome. Last evaluated: 2015-03-19. Review status: criteria provided, single submitter. Criteria: Ambry Variant Classification Scheme 2023. Collection method: clinical testing. Allele origin: germline. Not counted in ClinVar's aggregate classification.

NM_007294.4(BRCA1):c.1776C>T (p.Ser592=)

Gene: BRCA1 (BRCA1 DNA repair associated; minus strand). Cytogenetic location: 17q21.31.
Variant type: single nucleotide variant.
Coding change: c.1776C>T on transcript NM_007294.4 (MANE Select); coding-DNA position 1776, C replaced by T.
Protein change: p.Ser592=; no amino-acid change (serine 592 retained).
Molecular consequence: synonymous variant. On other transcripts: intron variant (137).
Genome position (GRCh38, 1-based): chr17:43,093,755, G>A on the plus strand (C>T on the coding strand, the complement: BRCA1 is on the minus strand). VCF-style: chr17-43093755-G-A. GRCh37 (hg19) VCF-style: chr17-41245772-G-A.
Other names: c.1635C>T, p.Ser545= (NM_001407695.1, NM_001407696.1, NM_001407697.1 and 29 more transcripts); c.1632C>T, p.Ser544= (NM_001407740.1, NM_001407741.1, NM_001407742.1 and 20 more transcripts); c.1563C>T, p.Ser521= (NM_001407853.1, NM_001407894.1, NM_001407895.1 and 9 more transcripts); c.1776C>T, p.Ser592= (NM_001407854.1, NM_001407858.1, NM_001407859.1 and 30 more transcripts); c.1773C>T, p.Ser591= (NM_001407860.1, NM_001407861.1, NM_001407587.1 and 22 more transcripts); c.1575C>T, p.Ser525= (NM_001407862.1); c.1653C>T, p.Ser551= (NM_001407863.1, NM_001407919.1, NM_001407937.1 and 19 more transcripts); c.1572C>T, p.Ser524= (NM_001407874.1, NM_001407875.1); and 40 more.
Identifiers: ClinVar variation 231027 (VCV000231027.21), dbSNP rs876658911, ClinGen allele CA10580651.